The following is an entry in ClinVar:

ClinVar aggregate classification (germline): Pathogenic/Likely pathogenic. Review status: criteria provided, multiple submitters, no conflicts (2 of 4 stars). 10 submissions from 10 submitters: Pathogenic (4); Likely pathogenic (2). 4 of the submissions do not count toward it. Last evaluated 2025-08-25.

Conditions:
GDAP1-related disorder. Also called: GDAP1-related disorders; GDAP1-related condition.
Charcot-Marie-Tooth disease. Also called: Charcot-Marie-Tooth Hereditary Neuropathy; Charcot-Marie-Tooth Neuropathy. Identifiers: Orphanet 166, MedGen C0007959, MONDO:0015626.
Charcot-Marie-Tooth disease type 4A. Also called: Charcot-Marie-Tooth disease, demyelinating, autosomal recessive, type 4a. Identifiers: Orphanet 99948, MedGen C1859198, MONDO:0008961, OMIM 214400.
Charcot-Marie-Tooth disease axonal type 2K (CMT2K). Also called: CHARCOT-MARIE-TOOTH DISEASE, AXONAL, AUTOSOMAL RECESSIVE, TYPE 2K; CHARCOT-MARIE-TOOTH NEUROPATHY, AXONAL, TYPE 2K; Charcot-Marie-Tooth disease type 2K. Identifiers: Orphanet 101097, Orphanet 99944, MedGen C1842983, MONDO:0011916, OMIM 607831.

Allele frequency attached by ClinVar (database versions not stated): gnomAD exomes below 0.00001.
gnomAD v4.1: 1 of 1,613,742 alleles (0.000062%); no homozygotes.

Submissions (10):

Labcorp Genetics (formerly Invitae), Labcorp
Classification: Pathogenic for Charcot-Marie-Tooth disease type 4A. Last evaluated: 2025-08-25. Review status: criteria provided, single submitter. Criteria: Invitae Variant Classification Sherloc (09022015). Collection method: clinical testing. Allele origin: germline.
Comment: This sequence change replaces histidine, which is basic and polar, with arginine, which is basic and polar, at codon 123 of the GDAP1 protein (p.His123Arg). This variant is not present in population databases (gnomAD no frequency). This missense change has been observed in individual(s) with autosomal dominant Charcot-Marie-Tooth disease and is associated with reduced penetrance (PMID: 21753178, 23456260, 23963299, 26525999). In at least one individual the variant was observed to be de novo. It is commonly reported in individuals of Finnish ancestry (PMID: 21753178, 23456260, 23963299, 26525999). ClinVar contains an entry for this variant (Variation ID: 50558). Invitae Evidence Modeling of protein sequence and biophysical properties (such as structural, functional, and spatial information, amino acid conservation, physicochemical variation, residue mobility, and thermodynamic stability) indicates that this missense variant is not expected to disrupt GDAP1 protein function with a negative predictive value of 80%. Experimental studies have shown that this missense change affects GDAP1 function (PMID: 28220846). For these reasons, this variant has been classified as Pathogenic.

Variantyx, Inc.
Classification: Likely pathogenic for Charcot-Marie-Tooth disease axonal type 2K. Last evaluated: 2025-08-18. Review status: criteria provided, single submitter. Criteria: Variantyx Assertion Criteria 2022. Collection method: clinical testing. Allele origin: germline. Inheritance: Autosomal recessive inheritance. Affected: yes.
Comment: This is a nonsynonymous variant in the GDAP1 gene (OMIM: 606598). Pathogenic variants in this gene have been associated with autosomal dominant axonal Charcot Marie Tooth disease type 2K. This variant likely occurred de novo in one individual reported in the published literature; however, the possibility of parental germline mosaicism cannot be excluded (PMID: 25403865) (PS2_Moderate). This variant has been reported in at least 10 unrelated affected individuals (PMID: 28810241, 37563452) (PS4_Moderate) and has been observed to segregate with disease in at least nine individuals from five families (PMID: 21753178, 23456260) (PP1_Moderate). This variant lies within a known hotspot for pathogenic variants or a well-established critical functional domain of the GDAP1 protein (PM1). Functional studies have shown that this variant alters GDAP1 protein function (PMID: 28220846) (PS3_Moderate), and multiple computational algorithms predict a deleterious effect for this variant (REVEL score: 0.807) (PP3). This variant is absent from control populations (PM2). Based on the current evidence, this variant is classified as likely pathogenic for autosomal dominant axonal Charcot Marie Tooth disease type 2K.

Genomic Medicine Center of Excellence, King Faisal Specialist Hospital and Research Centre
Classification: Pathogenic for Charcot-Marie-Tooth disease axonal type 2K. Last evaluated: 2024-03-25. Review status: criteria provided, single submitter. Criteria: ACMG Guidelines, 2015. Collection method: research. Allele origin: germline.

Blueprint Genetics
Classification: Pathogenic for GDAP1-related disorders. Last evaluated: 2022-09-27. Review status: criteria provided, single submitter. Criteria: ACMG Guidelines, 2015. Collection method: clinical testing. Allele origin: germline. Affected: yes. Observed: 5 variant alleles.

GeneDx
Classification: Pathogenic. Last evaluated: 2016-08-18. Review status: criteria provided, single submitter. Criteria: GeneDx Variant Classification (06012015). Collection method: clinical testing. Allele origin: germline. Affected: yes.
Comment: The H123R pathogenic variant in the GDAP1 gene has been reported previously in multiple unrelatedfamilies with autosomal dominant Charcot-Marie-Tooth (CMT) disease (Zimon et al., 2011; Auranenet al., 2013; Pezzini et al., 2016) . The H123R variant has been determined to be a founder mutationin the Finnish population and accounts for up to 14% of Finnish individuals with a clinical diagnosis ofCMT2 (Auranen et al., 2013). The H123R variant was not observed in approximately 6500individuals of European and African American ancestry in the NHLBI Exome Sequencing Project,indicating it is not a common benign variant in these populations. This conservative amino acidsubstitution occurs at a position that is conserved in mammals and in silico analysis is inconsistent inits predictions as to whether or not the variant is damaging to the protein structure/function. Missensevariants in nearby residues (R120G, R120W, R120Q, Q122K, D129H) have been reported in theHuman Gene Mutation Database in association with CMT (Stenson et al., 2014), supporting thefunctional importance of this region of the protein. We interpret H123R as a pathogenic variant.

Clinical Genetics and Genomics, Karolinska University Hospital
Classification: Likely pathogenic. Last evaluated: 2014-11-25. Review status: criteria provided, single submitter. Criteria: ACMG Guidelines, 2015. Collection method: clinical testing. Allele origin: germline. Affected: yes. Observed: 2 variant alleles.

Genesis Genome Database
Classification: Uncertain significance for Charcot-Marie-Tooth disease. Last evaluated: 2019-08-14. Review status: no assertion criteria provided. Collection method: research. Allele origin: germline. Affected: yes. Not counted in ClinVar's aggregate classification.

Inherited Neuropathy Consortium Ii, University Of Miami
Classification: Uncertain significance for Charcot-Marie-Tooth disease axonal type 2K. Last evaluated: 2016-01-06. Review status: no assertion criteria provided. Collection method: literature only. Allele origin: germline. Affected: yes. Not counted in ClinVar's aggregate classification.

OMIM
Classification: Pathogenic for CHARCOT-MARIE-TOOTH DISEASE, AUTOSOMAL DOMINANT, TYPE 2K. Last evaluated: 2011-08-09. Review status: no assertion criteria provided. Collection method: literature only. Allele origin: germline. Not counted in ClinVar's aggregate classification.

GeneReviews
No classification provided. Condition: Charcot-Marie-Tooth disease. Review status: no classification provided. Collection method: literature only. Allele origin: germline. Not counted in ClinVar's aggregate classification.

Literature cited by the submitters: PubMed 21753178 (cited by 4 submitters); PubMed 23456260 (cited by Labcorp Genetics (formerly Invitae), Labcorp and Variantyx, Inc.); PubMed 23963299 (cited by Labcorp Genetics (formerly Invitae), Labcorp); PubMed 26525999 (cited by Labcorp Genetics (formerly Invitae), Labcorp); PubMed 28220846 (cited by Labcorp Genetics (formerly Invitae), Labcorp and Variantyx, Inc.); PubMed 25403865 (cited by Variantyx, Inc.); PubMed 28810241 (cited by Variantyx, Inc.); PubMed 37563452 (cited by Variantyx, Inc.); NCBI Bookshelf NBK1539 (cited by GeneReviews); PubMed 20301711 (cited by GeneReviews).

NM_018972.4(GDAP1):c.368A>G (p.His123Arg)

Gene: GDAP1 (ganglioside induced differentiation associated protein 1; plus strand). Cytogenetic location: 8q21.11.
Variant type: single nucleotide variant.
Coding change: c.368A>G on transcript NM_018972.4 (MANE Select); coding-DNA position 368, A replaced by G.
Protein change: p.His123Arg; replaces histidine 123 with arginine.
Molecular consequence: missense variant. On other transcripts: intron variant (1).
Genome position (GRCh38, 1-based): chr8:74,360,194, A>G. VCF-style: chr8-74360194-A-G. GRCh37 (hg19) VCF-style: chr8-75272429-A-G.
Other names: c.164A>G, p.His55Arg (NM_001040875.4); c.41A>G, p.His14Arg (NM_001362929.2, NM_001362932.2); c.368A>G, p.His123Arg (NM_001362931.2); c.311-1690A>G (NM_001362930.2); short protein forms H123R, H55R, H14R.
Identifiers: ClinVar variation 50558 (VCV000050558.19), dbSNP rs397515442, ClinGen allele CA263218.